The following is an entry in ClinVar:

ClinVar aggregate classification (germline): Uncertain significance. Review status: criteria provided, multiple submitters, no conflicts (2 of 4 stars). 2 submissions from 2 submitters: Uncertain significance (2). Last evaluated 2025-11-07.

Conditions:
ABCC2-related disorder. Also called: ABCC2-related condition.
Inborn genetic diseases. Identifiers: MedGen C0950123, MeSH D030342.

gnomAD v4.1: 3 of 1,614,104 alleles (0.00019%); highest among the groups gnomAD compares: Admixed American, 0.0033%; no homozygotes.

Submissions (2):

PreventionGenetics, part of Exact Sciences
Classification: Uncertain significance for ABCC2-related condition. Last evaluated: 2025-11-07. Review status: criteria provided, single submitter. Criteria: ACMG Guidelines, 2015. Collection method: clinical testing. Allele origin: germline.
Comment: The ABCC2 c.2731C>G variant is predicted to result in the amino acid substitution p.Arg911Gly. To our knowledge, this variant has not been reported in the literature. This variant is reported in 0.0029% of alleles in individuals of Latino descent in gnomAD. At this time, the clinical significance of this variant is uncertain due to the absence of conclusive functional and genetic evidence.

Ambry Genetics
Classification: Uncertain significance for Inborn genetic diseases. Last evaluated: 2025-09-22. Review status: criteria provided, single submitter. Criteria: Ambry Variant Classification Scheme 2023. Collection method: clinical testing. Allele origin: germline.

NM_000392.5(ABCC2):c.2731C>G (p.Arg911Gly)

Genes: ABCC2 (ATP binding cassette subfamily C member 2; plus strand), LOC126861012 (BRD4-independent group 4 enhancer GRCh37_chr10:101589748-101590947; plus strand). Cytogenetic location: 10q24.2.
Variant type: single nucleotide variant.
Coding change: c.2731C>G on transcript NM_000392.5 (MANE Select); coding-DNA position 2731, C replaced by G.
Protein change: p.Arg911Gly; replaces arginine 911 with glycine.
Molecular consequence: missense variant.
Genome position (GRCh38, 1-based): chr10:99,830,417, C>G. VCF-style: chr10-99830417-C-G. GRCh37 (hg19) VCF-style: chr10-101590174-C-G.
Other names: c.2731C>G (NM_000392.4); short protein forms R911G.
Identifiers: ClinVar variation 4563986 (VCV004563986.2).